The following is an entry in ClinVar:

ClinVar aggregate classification (germline): Uncertain significance (1 of 4 stars; one submission).

Conditions:
Inborn genetic diseases. Identifiers: MedGen C0950123, MeSH D030342.

Submission:

Ambry Genetics
Classification: Uncertain significance for Inborn genetic diseases. Last evaluated: 2025-10-05. Review status: criteria provided, single submitter. Criteria: Ambry Variant Classification Scheme 2023. Collection method: clinical testing. Allele origin: germline.
Comment: The p.I387F variant (also known as c.1159A>T), located in coding exon 4 of the SMAD6 gene, results from an A to T substitution at nucleotide position 1159. The isoleucine at codon 387 is replaced by phenylalanine, an amino acid with highly similar properties. This amino acid position is conserved. In addition, this alteration is predicted to be deleterious by in silico analysis. Based on the available evidence, the clinical significance of this variant remains unclear.

NM_005585.5(SMAD6):c.1159A>T (p.Ile387Phe)

Gene: SMAD6 (SMAD family member 6; plus strand). Cytogenetic location: 15q22.31.
Variant type: single nucleotide variant.
Coding change: c.1159A>T on transcript NM_005585.5 (MANE Select); coding-DNA position 1159, A replaced by T.
Protein change: p.Ile387Phe; replaces isoleucine 387 with phenylalanine.
Molecular consequence: missense variant. On other transcripts: non-coding transcript variant (1).
Genome position (GRCh38, 1-based): chr15:66,781,203, A>T. VCF-style: chr15-66781203-A-T. GRCh37 (hg19) VCF-style: chr15-67073541-A-T.
Other names: short protein forms I387F.
Identifiers: ClinVar variation 2223900 (VCV002223900.3), dbSNP rs2541897822, ClinGen allele CA393201983.